The following is an entry in ClinVar:

ClinVar aggregate classification (germline): Conflicting classifications of pathogenicity. Review status: criteria provided, conflicting classifications (1 of 4 stars). 3 submissions from 3 submitters: Uncertain significance (2); Likely benign (1). Last evaluated 2025-08-11.

Conditions:
Neurofibromatosis, type 2 (SWNV). Also called: BILATERAL ACOUSTIC NEUROFIBROMATOSIS; SCHWANNOMATOSIS, VESTIBULAR; NF2-Related Schwannomatosis. Identifiers: Orphanet 637, MedGen C0027832, MONDO:0007039, OMIM 101000. Disease mechanism: loss of function.
Familial meningioma. Also called: Meningioma, familial, susceptibility to. Identifiers: Orphanet 263662, MedGen C3551915, MONDO:0011789, OMIM 607174.

Allele frequency attached by ClinVar (database versions not stated): TOPMed 0.00001; gnomAD exomes below 0.00001.
gnomAD v4.1: 3 of 1,557,620 alleles (0.00019%); highest among the groups gnomAD compares: Non-Finnish European, 0.00026%; no homozygotes.

Submissions (3):

Labcorp Genetics (formerly Invitae), Labcorp
Classification: Likely benign for Neurofibromatosis, type 2. Last evaluated: 2025-08-11. Review status: criteria provided, single submitter. Criteria: Invitae Variant Classification Sherloc (09022015). Collection method: clinical testing. Allele origin: germline.

Fulgent Genetics
Classification: Uncertain significance for Neurofibromatosis, type 2; Familial meningioma. Last evaluated: 2024-05-09. Review status: criteria provided, single submitter. Criteria: ACMG Guidelines, 2015. Collection method: clinical testing. Allele origin: germline.

MGZ Medical Genetics Center
Classification: Uncertain significance for Neurofibromatosis, type 2. Last evaluated: 2021-08-04. Review status: criteria provided, single submitter. Criteria: ACMG Guidelines, 2015. Collection method: clinical testing. Allele origin: germline. Affected: yes. Observed: 1 variant allele.
Comment: ACMG criteria applied: PM2_SUP, BP4

NM_000268.4(NF2):c.1446+6C>G

Gene: NF2 (NF2, moesin-ezrin-radixin like (MERLIN) tumor suppressor; plus strand). Cytogenetic location: 22q12.2.
Variant type: single nucleotide variant.
Coding change: c.1446+6C>G on transcript NM_000268.4 (MANE Select); 6 bases into the intron after coding-DNA position 1446, C replaced by G.
Molecular consequence: intron variant.
Genome position (GRCh38, 1-based): chr22:29,674,947, C>G. VCF-style: chr22-29674947-C-G. GRCh37 (hg19) VCF-style: chr22-30070936-C-G.
Other names: c.1446+6C>G (NM_016418.5, NM_181832.3, NM_181825.3); c.448-19805C>G (NM_181833.3); c.1323+6C>G (NM_181829.3); c.1320+6C>G (NM_181828.3); c.1197+6C>G (NM_181830.3, NM_181831.3).
Identifiers: ClinVar variation 847456 (VCV000847456.13), dbSNP rs878853924, ClinGen allele CA638994293.